The following is an entry in ClinVar:

ClinVar aggregate classification (germline): Uncertain significance (1 of 4 stars; one submission).

Conditions:
Hereditary cancer-predisposing syndrome. Also called: Neoplastic Syndromes, Hereditary; Tumor predisposition; Hereditary Cancer Syndrome; Hereditary neoplastic syndrome. Identifiers: Orphanet 140162, MedGen C0027672, MeSH D009386, MONDO:0015356.

Submission:

Color Diagnostics, LLC DBA Color Health
Classification: Uncertain significance for Hereditary cancer-predisposing syndrome. Last evaluated: 2021-11-01. Review status: criteria provided, single submitter. Criteria: ACMG Guidelines, 2015. Collection method: clinical testing. Allele origin: germline.
Comment: This missense variant replaces lysine with glutamine at codon 2244 of the BRCA2 protein. Computational prediction suggests that this variant may not impact protein structure and function (internally defined REVEL score threshold <= 0.5, PMID: 27666373). To our knowledge, functional studies have not been reported for this variant. This variant has not been reported in individuals affected with hereditary cancer in the literature. This variant has not been identified in the general population by the Genome Aggregation Database (gnomAD). The available evidence is insufficient to determine the role of this variant in disease conclusively. Therefore, this variant is classified as a Variant of Uncertain Significance.

NM_000059.4(BRCA2):c.6730A>C (p.Lys2244Gln)

Gene: BRCA2 (BRCA2 DNA repair associated; plus strand). Cytogenetic location: 13q13.1.
Variant type: single nucleotide variant.
Coding change: c.6730A>C on transcript NM_000059.4 (MANE Select); coding-DNA position 6730, A replaced by C.
Protein change: p.Lys2244Gln; replaces lysine 2244 with glutamine.
Molecular consequence: missense variant. On other transcripts: non-coding transcript variant (1), intron variant (2).
Genome position (GRCh38, 1-based): chr13:32,341,085, A>C. VCF-style: chr13-32341085-A-C. GRCh37 (hg19) VCF-style: chr13-32915222-A-C.
Other names: c.6730A>C, p.Lys2244Gln (NM_001406719.1, NM_001406720.1); c.1910-3473A>C (NM_001406721.1); c.425-3473A>C (NM_001406722.1); short protein forms K2244Q.
Identifiers: ClinVar variation 2774935 (VCV002774935.2), dbSNP rs886040675, ClinGen allele CA387791070.